The following is an entry in ClinVar:

NM_001080467.3(MYO5B):c.1201C>T (p.Arg401Cys)

Gene: MYO5B (myosin VB; minus strand). Cytogenetic location: 18q21.1.
Variant type: single nucleotide variant.
Coding change: c.1201C>T on transcript NM_001080467.3 (MANE Select); coding-DNA position 1201, C replaced by T.
Protein change: p.Arg401Cys; replaces arginine 401 with cysteine.
Molecular consequence: missense variant.
Genome position (GRCh38, 1-based): chr18:49,974,471, G>A on the plus strand (C>T on the coding strand, the complement: MYO5B is on the minus strand). VCF-style: chr18-49974471-G-A. GRCh37 (hg19) VCF-style: chr18-47500841-G-A.
Other names: c.1201C>T (NM_001080467.2); short protein forms R401C.
Identifiers: ClinVar variation 1485987 (VCV001485987.9), dbSNP rs761492029, ClinGen allele CA8961613.

ClinVar aggregate classification (germline): Conflicting classifications of pathogenicity. Review status: criteria provided, conflicting classifications (1 of 4 stars). 5 submissions from 5 submitters: Likely pathogenic (1); Uncertain significance (3). 1 of the submissions does not count toward it. Last evaluated 2024-12-09.

Conditions:
Cholestasis, progressive familial intrahepatic, 10 (PFIC10). Identifiers: MedGen C5676981, MONDO:0030810, OMIM 619868.
Congenital microvillous atrophy (DIAR2). Also called: Microvillus inclusion disease; CONGENITAL FAMILIAL PROTRACTED DIARRHEA WITH ENTEROCYTE BRUSH-BORDER ABNORMALITIES; DAVIDSON DISEASE; Diarrhea 2 with microvillus atrophy, with or without cholestasis; MICROVILLUS ATROPHY, CONGENITAL. Identifiers: Orphanet 2290, MedGen C0341306, MONDO:0009635, OMIM 251850.
MYO5B-related disorder. Also called: MYO5B-related condition.

Allele frequency attached by ClinVar (database versions not stated): gnomAD exomes 0.00001; ExAC 0.00002; TOPMed 0.00002; gnomAD 0.00003 and 0.00004.
gnomAD v4.1: 43 of 1,614,024 alleles (0.0027%); highest among the groups gnomAD compares: South Asian, 0.012%; no homozygotes.

Submissions (5):

PreventionGenetics, part of Exact Sciences
Classification: Uncertain significance for MYO5B-related condition. Last evaluated: 2024-12-09. Review status: criteria provided, single submitter. Criteria: ACMG Guidelines, 2015. Collection method: clinical testing. Allele origin: germline.
Comment: The MYO5B c.1201C>T variant is predicted to result in the amino acid substitution p.Arg401Cys. This variant was reported in trans with a second MYO5B variant in an individual with low gamma-glutamyltransferase cholestasis (Qiu et al. 2017. PubMed ID: 28027573). A different substitution that affects the same amino acid (p.Arg401His) has been reported in multiple individuals with microvillus inclusion disease (Table 1, Ruemmele et al. 2010. PubMed ID: 20186687). This variant is reported in 0.0041% of alleles in individuals of African descent in gnomAD. At this time, the clinical significance of this variant is uncertain due to the absence of conclusive functional and genetic evidence.

GeneDx
Classification: Uncertain significance. Last evaluated: 2023-12-28. Review status: criteria provided, single submitter. Criteria: GeneDx Variant Classification Process June 2021. Collection method: clinical testing. Allele origin: germline. Affected: yes.
Comment: Not observed at significant frequency in large population cohorts (gnomAD); In silico analysis supports that this missense variant has a deleterious effect on protein structure/function; This variant is associated with the following publications: (PMID: 34426522, 28027573)

Labcorp Genetics (formerly Invitae), Labcorp
Classification: Uncertain significance. Last evaluated: 2022-03-19. Review status: criteria provided, single submitter. Criteria: Invitae Variant Classification Sherloc (09022015). Collection method: clinical testing. Allele origin: germline.
Comment: This sequence change replaces arginine, which is basic and polar, with cysteine, which is neutral and slightly polar, at codon 401 of the MYO5B protein (p.Arg401Cys). This variant is present in population databases (rs761492029, gnomAD 0.004%). This missense change has been observed in individual(s) with low gamma-glutamyltransferase cholestasis (PMID: 28027573). In at least one individual the data is consistent with being in trans (on the opposite chromosome) from a pathogenic variant. Algorithms developed to predict the effect of missense changes on protein structure and function are either unavailable or do not agree on the potential impact of this missense change (SIFT: "Deleterious"; PolyPhen-2: "Probably Damaging"; Align-GVGD: "Class C0"). This variant disrupts the p.Arg401 amino acid residue in MYO5B. Other variant(s) that disrupt this residue have been observed in individuals with MYO5B-related conditions (PMID: 20186687), which suggests that this may be a clinically significant amino acid residue. In summary, the available evidence is currently insufficient to determine the role of this variant in disease. Therefore, it has been classified as a Variant of Uncertain Significance.

Juno Genomics, Hangzhou Juno Genomics, Inc
Classification: Likely pathogenic for Cholestasis, progressive familial intrahepatic, 10; Congenital microvillous atrophy. Review status: criteria provided, single submitter. Criteria: ACMG Guidelines, 2015. Collection method: clinical testing. Allele origin: germline.
Comment: Absent from controls (or at extremely low frequency if recessive) in Genome Aggregation Database.;Multiple lines of computational evidence support a deleterious effect on the gene or gene product.;For recessive disorders, detected in trans with a pathogenic variant.;Patient's phenotype or family history is highly specific for a disease with a single genetic etiology.;Novel missense change at an amino acid residue where a different missense change determined to be pathogenic has been seen before.

OMIM
Classification: Pathogenic for CHOLESTASIS, PROGRESSIVE FAMILIAL INTRAHEPATIC, 10. Last evaluated: 2022-05-20. Review status: no assertion criteria provided. Collection method: literature only. Allele origin: germline. Not counted in ClinVar's aggregate classification.

Literature cited by the submitters: PubMed 28027573 (cited by Labcorp Genetics (formerly Invitae), Labcorp and OMIM); PubMed 20186687 (cited by Labcorp Genetics (formerly Invitae), Labcorp).